The following is an entry in ClinVar:

NM_015192.4(PLCB1):c.1286G>A (p.Arg429Gln)

Gene: PLCB1 (phospholipase C beta 1; plus strand). Cytogenetic location: 20p12.3.
Variant type: single nucleotide variant.
Coding change: c.1286G>A on transcript NM_015192.4 (MANE Select); coding-DNA position 1286, G replaced by A.
Protein change: p.Arg429Gln; replaces arginine 429 with glutamine.
Molecular consequence: missense variant.
Genome position (GRCh38, 1-based): chr20:8,716,299, G>A. VCF-style: chr20-8716299-G-A. GRCh37 (hg19) VCF-style: chr20-8696946-G-A.
Other names: c.1286G>A, p.Arg429Gln (NM_182734.3); short protein forms R429Q.
Identifiers: ClinVar variation 849093 (VCV000849093.10), dbSNP rs551873449, ClinGen allele CA408200137.

ClinVar aggregate classification (germline): Uncertain significance (1 of 4 stars; one submission).

Conditions:
Developmental and epileptic encephalopathy, 12 (DEE12). Identifiers: MedGen C3150988, MONDO:0013389, OMIM 613722.

Allele frequency attached by ClinVar (database versions not stated): TOPMed below 0.00001.
gnomAD v4.1: 3 of 1,614,024 alleles (0.00019%); highest among the groups gnomAD compares: Non-Finnish European, 0.00025%; no homozygotes.

Submission:

Labcorp Genetics (formerly Invitae), Labcorp
Classification: Uncertain significance for Developmental and epileptic encephalopathy, 12. Last evaluated: 2022-03-19. Review status: criteria provided, single submitter. Criteria: Invitae Variant Classification Sherloc (09022015). Collection method: clinical testing. Allele origin: germline.
Comment: This sequence change replaces arginine, which is basic and polar, with glutamine, which is neutral and polar, at codon 429 of the PLCB1 protein (p.Arg429Gln). In summary, the available evidence is currently insufficient to determine the role of this variant in disease. Therefore, it has been classified as a Variant of Uncertain Significance. Algorithms developed to predict the effect of missense changes on protein structure and function are either unavailable or do not agree on the potential impact of this missense change (SIFT: "Deleterious"; PolyPhen-2: "Benign"; Align-GVGD: "Class C0"). ClinVar contains an entry for this variant (Variation ID: 849093). This variant has not been reported in the literature in individuals affected with PLCB1-related conditions. This variant is not present in population databases (gnomAD no frequency).